The following is an entry in ClinVar:

NM_001165963.4(SCN1A):c.5276C>T (p.Pro1759Leu)

Genes: SCN1A (sodium voltage-gated channel alpha subunit 1; minus strand), LOC102724058 (uncharacterized LOC102724058; plus strand). Cytogenetic location: 2q24.3.
Variant type: single nucleotide variant.
Coding change: c.5276C>T on transcript NM_001165963.4 (MANE Select); coding-DNA position 5276, C replaced by T.
Protein change: p.Pro1759Leu; replaces proline 1759 with leucine.
Molecular consequence: missense variant. On other transcripts: non-coding transcript variant (1).
Genome position (GRCh38, 1-based): chr2:165,991,999, G>A on the plus strand (C>T on the coding strand, the complement: SCN1A is on the minus strand). VCF-style: chr2-165991999-G-A. GRCh37 (hg19) VCF-style: chr2-166848509-G-A.
Other names: c.5192C>T, p.Pro1731Leu (NM_001165964.3, NM_001353957.2, NM_001353958.2); c.5276C>T, p.Pro1759Leu (NM_001202435.3, NM_001353948.2); c.5243C>T, p.Pro1748Leu (NM_001353949.2, NM_001353950.2, NM_001353951.2 and 2 more transcripts); c.5240C>T, p.Pro1747Leu (NM_001353954.2, NM_001353955.2); c.5189C>T, p.Pro1730Leu (NM_001353960.2); c.2834C>T, p.Pro945Leu (NM_001353961.2); short protein forms P1747L, P1748L, P1759L, P945L, P1730L, P1731L.
Identifiers: ClinVar variation 2057676 (VCV002057676.4), dbSNP rs2468334554, ClinGen allele CA349068303.

ClinVar aggregate classification (germline): Uncertain significance (1 of 4 stars; one submission).

Conditions:
Early-infantile DEE. Also called: Early infantile epileptic encephalopathy; Ohtahara syndrome; Early infantile epileptic encephalopathy with suppression bursts. Identifiers: Orphanet 1934, MedGen C0393706, MONDO:0800491.

Submission:

Labcorp Genetics (formerly Invitae), Labcorp
Classification: Uncertain significance for Early-infantile DEE. Last evaluated: 2023-10-03. Review status: criteria provided, single submitter. Criteria: Invitae Variant Classification Sherloc (09022015). Collection method: clinical testing. Allele origin: germline.
Comment: This sequence change replaces proline, which is neutral and non-polar, with leucine, which is neutral and non-polar, at codon 1759 of the SCN1A protein (p.Pro1759Leu). This variant is not present in population databases (gnomAD no frequency). This variant has not been reported in the literature in individuals affected with SCN1A-related conditions. ClinVar contains an entry for this variant (Variation ID: 2057676). Advanced modeling of protein sequence and biophysical properties (such as structural, functional, and spatial information, amino acid conservation, physicochemical variation, residue mobility, and thermodynamic stability) performed at Invitae indicates that this missense variant is expected to disrupt SCN1A protein function. In summary, the available evidence is currently insufficient to determine the role of this variant in disease. Therefore, it has been classified as a Variant of Uncertain Significance.